The following is an entry in ClinVar:

ClinVar aggregate classification (germline): Uncertain significance. Review status: criteria provided, multiple submitters, no conflicts (2 of 4 stars). 2 submissions from 2 submitters: Uncertain significance (2). Last evaluated 2025-11-05.

Conditions:
Hereditary cancer-predisposing syndrome. Also called: Hereditary Cancer Syndrome; Hereditary neoplastic syndrome; Tumor predisposition; Neoplastic Syndromes, Hereditary. Identifiers: Orphanet 140162, MedGen C0027672, MeSH D009386, MONDO:0015356.
Cardiovascular phenotype. Identifiers: MedGen CN230736.

Allele frequency attached by ClinVar (database versions not stated): TOPMed below 0.00001; ExAC 0.00001; gnomAD exomes 0.00001.

Submissions (2):

Labcorp Genetics (formerly Invitae), Labcorp
Classification: Uncertain significance. Last evaluated: 2025-11-05. Review status: criteria provided, single submitter. Criteria: Invitae Variant Classification Sherloc (09022015). Collection method: clinical testing. Allele origin: germline.
Comment: This sequence change replaces leucine, which is neutral and non-polar, with proline, which is neutral and non-polar, at codon 812 of the LZTR1 protein (p.Leu812Pro). This variant is present in population databases (rs773059569, gnomAD 0.003%). This missense change has been observed in individual(s) with schwannomatosis (PMID: 30442762). ClinVar contains an entry for this variant (Variation ID: 1791216). Invitae Evidence Modeling of protein sequence and biophysical properties (such as structural, functional, and spatial information, amino acid conservation, physicochemical variation, residue mobility, and thermodynamic stability) indicates that this missense variant is not expected to disrupt LZTR1 protein function with a negative predictive value of 80%. Experimental studies have shown that this missense change affects LZTR1 function (PMID: 30442762). In summary, the available evidence is currently insufficient to determine the role of this variant in disease. Therefore, it has been classified as a Variant of Uncertain Significance.

Ambry Genetics
Classification: Uncertain significance for Cardiovascular phenotype; Hereditary cancer-predisposing syndrome. Last evaluated: 2023-09-05. Review status: criteria provided, single submitter. Criteria: Ambry Variant Classification Scheme 2023. Collection method: clinical testing. Allele origin: germline.
Comment: The p.L812P variant (also known as c.2435T>C), located in coding exon 21 of the LZTR1 gene, results from a T to C substitution at nucleotide position 2435. The leucine at codon 812 is replaced by proline, an amino acid with similar properties. This variant has been reported in cohort of patients with schwannomatosis; however, clinical details were limited (Steklov M et al. Science, 2018 12;362:1177-1182). This amino acid position is highly conserved in available vertebrate species. In addition, this alteration is predicted to be deleterious by in silico analysis. Since supporting evidence is limited at this time, the clinical significance of this alteration remains unclear.

Literature cited by the submitters: PubMed 30442762 (cited by Labcorp Genetics (formerly Invitae), Labcorp).

NM_006767.4(LZTR1):c.2435T>C (p.Leu812Pro)

Gene: LZTR1 (leucine zipper like post translational regulator 1; plus strand). Cytogenetic location: 22q11.21.
Variant type: single nucleotide variant.
Coding change: c.2435T>C on transcript NM_006767.4 (MANE Select); coding-DNA position 2435, T replaced by C.
Protein change: p.Leu812Pro; replaces leucine 812 with proline.
Molecular consequence: missense variant.
Genome position (GRCh38, 1-based): chr22:20,997,260, T>C. VCF-style: chr22-20997260-T-C. GRCh37 (hg19) VCF-style: chr22-21351549-T-C.
Other names: short protein forms L812P.
Identifiers: ClinVar variation 1791216 (VCV001791216.7), dbSNP rs773059569, ClinGen allele CA10119465.